The following is an entry in ClinVar:

NM_007294.4(BRCA1):c.3621_3626delinsAA (p.Leu1209fs)

Genes: BRCA1 (BRCA1 DNA repair associated; minus strand), LOC126862571 (BRD4-independent group 4 enhancer GRCh37_chr17:41243136-41244335; plus strand). Cytogenetic location: 17q21.31.
Variant type: Indel.
Coding change: c.3621_3626delinsAA on transcript NM_007294.4 (MANE Select); coding-DNA positions 3621 to 3626, GAAATT replaced by AA.
Protein change: p.Leu1209fs; shifts the reading frame from leucine 1209.
Molecular consequence: frameshift variant. On other transcripts: intron variant (135).
Genome position (GRCh38, 1-based): chr17:43,091,905-43,091,910, AATTTC replaced by TT on the plus strand (GAAATT replaced by AA on the coding strand, the reverse complement: BRCA1 is on the minus strand). VCF-style: chr17-43091905-AATTTC-TT. GRCh37 (hg19) VCF-style: chr17-41243922-AATTTC-TT.
Other names: c.3408_3413delinsAA, p.Leu1138fs (NM_001407571.1, NM_001407894.1, NM_001407895.1 and 9 more transcripts); c.3621_3626delinsAA, p.Leu1209fs (NM_001407581.1, NM_001407582.1, NM_001407583.1 and 30 more transcripts); c.3618_3623delinsAA, p.Leu1208fs (NM_001407587.1, NM_001407590.1, NM_001407591.1 and 22 more transcripts); c.3543_3548delinsAA, p.Leu1183fs (NM_001407657.1, NM_001407658.1, NM_001407663.1 and 4 more transcripts); c.3540_3545delinsAA, p.Leu1182fs (NM_001407659.1, NM_001407660.1, NM_001407661.1 and 1 more transcripts); c.3498_3503delinsAA, p.Leu1168fs (NM_001407664.1, NM_001407674.1, NM_001407675.1 and 19 more transcripts); c.3495_3500delinsAA, p.Leu1167fs (NM_001407691.1, NM_001407940.1, NM_001407941.1 and 11 more transcripts); c.3480_3485delinsAA, p.Leu1162fs (NM_001407692.1, NM_001407694.1, NM_001407695.1 and 29 more transcripts); and 41 more; short protein forms L1162fs, L1209fs, L1121fs, L1183fs, L1206fs, L1081fs, L1097fs, L1120fs.
Identifiers: ClinVar variation 54939 (VCV000054939.3), dbSNP rs397509087, ClinGen allele CA002316.

ClinVar aggregate classification (germline): Pathogenic. Review status: reviewed by expert panel (3 of 4 stars). 2 submissions from 2 submitters: Pathogenic (1). 1 of the submissions does not count toward it. Last evaluated 2017-12-15.

Conditions:
Breast-ovarian cancer, familial, susceptibility to, 1 (BROVCA1). Also called: BRCA1 Hereditary Breast and Ovarian Cancer; OVARIAN CANCER, SUSCEPTIBILITY TO. Identifiers: Orphanet 145, MedGen C2676676, MONDO:0011450, OMIM 604370. Disease mechanism: loss of function.
Familial cancer of breast. Also called: hereditary breast carcinoma; BREAST CANCER, FAMILIAL; Hereditary breast cancer. Identifiers: Orphanet 227535, MedGen C0346153, MONDO:0016419, OMIM 114480. Disease mechanism: loss of function.

Submissions (2):

Evidence-based Network for the Interpretation of Germline Mutant Alleles (ENIGMA)
Classification: Pathogenic for Breast-ovarian cancer, familial, susceptibility to, 1. Last evaluated: 2017-12-15. Review status: reviewed by expert panel. Criteria: ENIGMA BRCA1/2 Classification Criteria (2017-06-29). Collection method: curation. Allele origin: germline. Study: ENIGMA.
Comment: Variant allele predicted to encode a truncated non-functional protein.

ClinVar Staff, National Center for Biotechnology Information (NCBI)
No classification provided. Condition: Familial cancer of breast. Review status: no classification provided. Collection method: literature only. Allele origin: germline. Affected: yes. Not counted in ClinVar's aggregate classification.

Literature cited by the submitters: PubMed 18489799 (cited by ClinVar Staff, National Center for Biotechnology Information (NCBI)).